The following is an entry in ClinVar:

NM_006031.6(PCNT):c.9572G>T (p.Arg3191Leu)

Gene: PCNT (pericentrin; plus strand). Cytogenetic location: 21q22.3.
Variant type: single nucleotide variant.
Coding change: c.9572G>T on transcript NM_006031.6 (MANE Select); coding-DNA position 9572, G replaced by T.
Protein change: p.Arg3191Leu; replaces arginine 3191 with leucine.
Molecular consequence: missense variant.
Genome position (GRCh38, 1-based): chr21:46,441,033, G>T. VCF-style: chr21-46441033-G-T. GRCh37 (hg19) VCF-style: chr21-47860946-G-T.
Other names: c.8981G>T, p.Arg2994Leu (NM_001315529.2); short protein forms R2994L, R3191L.
Identifiers: ClinVar variation 3353159 (VCV003353159.2).

ClinVar aggregate classification (germline): Uncertain significance. Review status: criteria provided, single submitter (1 of 4 stars). 2 submissions from 2 submitters: Uncertain significance (1). 1 of the submissions does not count toward it. Last evaluated 2024-10-24.

Conditions:
PCNT-related disorder. Also called: PCNT-related condition.
Inborn genetic diseases. Identifiers: MedGen C0950123, MeSH D030342.

gnomAD v4.1: 6 of 1,614,008 alleles (0.00037%); highest among the groups gnomAD compares: African/African-American, 0.0053%; no homozygotes.

Submissions (2):

Ambry Genetics
Classification: Uncertain significance for Inborn genetic diseases. Last evaluated: 2024-10-24. Review status: criteria provided, single submitter. Criteria: Ambry Variant Classification Scheme 2023. Collection method: clinical testing. Allele origin: germline.

PreventionGenetics, part of Exact Sciences
Classification: Uncertain significance for PCNT-related condition. Last evaluated: 2023-11-08. Review status: no assertion criteria provided. Collection method: clinical testing. Allele origin: germline. Not counted in ClinVar's aggregate classification.
Comment: The PCNT c.9572G>T variant is predicted to result in the amino acid substitution p.Arg3191Leu. To our knowledge, this variant has not been reported in the literature. This variant is reported in 0.0% of alleles in individuals of African descent in gnomAD. At this time, the clinical significance of this variant is uncertain due to the absence of conclusive functional and genetic evidence.